The following is an entry in ClinVar:

ClinVar aggregate classification (germline): Pathogenic. Review status: criteria provided, multiple submitters, no conflicts (2 of 4 stars). 6 submissions from 6 submitters: Pathogenic (6). Last evaluated 2025-11-25.

Conditions:
Breast-ovarian cancer, familial, susceptibility to, 5 (BROVCA5). Identifiers: MedGen C5830615, MONDO:0957530, OMIM 620442.
Hereditary cancer-predisposing syndrome. Also called: Hereditary Cancer Syndrome; Hereditary neoplastic syndrome; Tumor predisposition; Neoplastic Syndromes, Hereditary. Identifiers: Orphanet 140162, MedGen C0027672, MeSH D009386, MONDO:0015356.
Familial cancer of breast. Also called: hereditary breast carcinoma; Hereditary breast cancer; BREAST CANCER, FAMILIAL. Identifiers: Orphanet 227535, MedGen C0346153, MONDO:0016419, OMIM 114480. Disease mechanism: loss of function.

Submissions (6):

Labcorp Genetics (formerly Invitae), Labcorp
Classification: Pathogenic for Familial cancer of breast. Last evaluated: 2025-11-25. Review status: criteria provided, single submitter. Criteria: Invitae Variant Classification Sherloc (09022015). Collection method: clinical testing. Allele origin: germline.
Comment: This sequence change creates a premature translational stop signal (p.Pro729Hisfs*16) in the PALB2 gene. It is expected to result in an absent or disrupted protein product. Loss-of-function variants in PALB2 are known to be pathogenic (PMID: 17200668, 17200671, 17200672, 24136930, 25099575). This variant is not present in population databases (gnomAD no frequency). This variant has not been reported in the literature in individuals affected with PALB2-related conditions. ClinVar contains an entry for this variant (Variation ID: 657303). For these reasons, this variant has been classified as Pathogenic.

Ambry Genetics
Classification: Pathogenic for Hereditary cancer-predisposing syndrome. Last evaluated: 2025-07-03. Review status: criteria provided, single submitter. Criteria: Ambry Variant Classification Scheme 2023. Collection method: clinical testing. Allele origin: germline.
Comment: The c.2185_2186insA pathogenic mutation, located in coding exon 5 of the PALB2 gene, results from an insertion of one nucleotide at position 2185, causing a translational frameshift with a predicted alternate stop codon (p.P729Hfs*16). This variant was detected in a cohort of 192 Brazilian pancreatic cancer patients (Rodrigues LM et al. Sci Rep, 2024 Sep;14:21083). This variant is considered to be rare based on population cohorts in the Genome Aggregation Database (gnomAD). This alteration is expected to result in loss of function by premature protein truncation or nonsense-mediated mRNA decay. As such, this alteration is interpreted as a disease-causing mutation.

Dasa
Classification: Pathogenic for Breast-ovarian cancer, familial, susceptibility to, 5. Last evaluated: 2024-11-25. Review status: criteria provided, single submitter. Criteria: DASA Assertion Criteria. Collection method: clinical testing. Allele origin: germline.
Comment: NM_024675.4(PALB2):c.2185_2186insA (p.Pro729Hisfs*16) is a frameshift variant in PALB2 predicted to alter the reading frame and introduce a premature termination codon and is predicted to result in an absent or altered protein product. Loss of function is an established disease mechanism for PALB2 (PMID: 17200668; PMID: 25099575; PMID: 31841383). The affected residue or protein region has prior evidence supporting clinical relevance. Also, this variant is absent from population databases. Based on the currently available evidence, this variant is classified as pathogenic.

Myriad Genetics, Inc.
Classification: Pathogenic for Familial cancer of breast. Last evaluated: 2023-09-12. Review status: criteria provided, single submitter. Criteria: Myriad Autosomal Dominant, Autosomal Recessive and X-Linked Classification Criteria (2023). Collection method: clinical testing. Allele origin: unknown.
Comment: This variant is considered pathogenic. This variant creates a frameshift predicted to result in premature protein truncation.

Color Diagnostics, LLC DBA Color Health
Classification: Pathogenic for Hereditary cancer-predisposing syndrome. Last evaluated: 2020-01-06. Review status: criteria provided, single submitter. Criteria: ACMG Guidelines, 2015. Collection method: clinical testing. Allele origin: germline.
Comment: This variant inserts 1 nucleotide in exon 5 of the PALB2 gene, creating a frameshift and premature translation stop signal. This variant is expected to result in an absent or non-functional protein product. Splice site prediction tools suggest that this variant may not impact RNA splicing. To our knowledge, functional studies have not been performed for this variant. This variant has not been reported in individuals affected with hereditary cancer in the literature. This variant has not been identified in the general population by the Genome Aggregation Database (gnomAD). Loss of PALB2 function is a known mechanism of disease. Based on the available evidence, this variant is classified as Pathogenic.

Mendelics
Classification: Pathogenic for Familial cancer of breast. Last evaluated: 2019-05-28. Review status: criteria provided, single submitter. Criteria: Mendelics Assertion Criteria 2017. Collection method: clinical testing. Allele origin: unknown.

Literature cited by the submitters: PubMed 17200668 (cited by Labcorp Genetics (formerly Invitae), Labcorp and Dasa); PubMed 17200671 (cited by Labcorp Genetics (formerly Invitae), Labcorp); PubMed 17200672 (cited by Labcorp Genetics (formerly Invitae), Labcorp); PubMed 24136930 (cited by Labcorp Genetics (formerly Invitae), Labcorp); PubMed 25099575 (cited by Labcorp Genetics (formerly Invitae), Labcorp and Dasa); PubMed 39256447 (cited by Ambry Genetics); PubMed 31841383 (cited by Dasa).

NM_024675.4(PALB2):c.2185_2186insA (p.Pro729fs)

Gene: PALB2 (partner and localizer of BRCA2; minus strand). Cytogenetic location: 16p12.2.
Variant type: Insertion.
Coding change: c.2185_2186insA on transcript NM_024675.4 (MANE Select); coding-DNA positions 2185 to 2186, A inserted.
Protein change: p.Pro729fs; shifts the reading frame from proline 729.
Molecular consequence: frameshift variant.
Genome position: GRCh38 VCF-style: chr16-23629968-G-GT. GRCh37 (hg19) VCF-style: chr16-23641289-G-GT.
Other names: short protein forms P729fs.
Identifiers: ClinVar variation 657303 (VCV000657303.18), dbSNP rs1597089845, ClinGen allele CA915949187.